The following is an entry in ClinVar:

ClinVar aggregate classification (germline): Conflicting classifications of pathogenicity. Review status: criteria provided, conflicting classifications (1 of 4 stars). 3 submissions from 3 submitters: Pathogenic (1); Likely pathogenic (1); Uncertain significance (1). Last evaluated 2024-08-13.

Conditions:
Succinate-semialdehyde dehydrogenase deficiency (SSADHD). Also called: SSADH DEFICIENCY; GABA METABOLIC DEFECT; 4-HYDROXYBUTYRIC ACIDURIA; Succinic Semialdehyde Dehydrogenase Deficiency. Identifiers: Orphanet 22, MedGen C0268631, MONDO:0010083, OMIM 271980.

Allele frequency attached by ClinVar (database versions not stated): gnomAD exomes below 0.00001.
gnomAD v4.1: 5 of 1,613,832 alleles (0.00031%); highest among the groups gnomAD compares: Non-Finnish European, 0.00042%; no homozygotes.

Submissions (3):

GeneDx
Classification: Likely pathogenic. Last evaluated: 2024-08-13. Review status: criteria provided, single submitter. Criteria: GeneDx Variant Classification Process June 2021. Collection method: clinical testing. Allele origin: germline. Affected: yes.
Comment: Published functional studies demonstrate a damaging effect as enzyme activity was severely reduced (PMID: 32402538); Not observed at significant frequency in large population cohorts (gnomAD); In silico analysis supports that this missense variant has a deleterious effect on protein structure/function; This variant is associated with the following publications: (PMID: 34882073, 33203024, 32402538)

Labcorp Genetics (formerly Invitae), Labcorp
Classification: Uncertain significance for Succinate-semialdehyde dehydrogenase deficiency. Last evaluated: 2021-08-12. Review status: criteria provided, single submitter. Criteria: Invitae Variant Classification Sherloc (09022015). Collection method: clinical testing. Allele origin: germline.
Comment: This variant is not present in population databases (ExAC no frequency). In summary, the available evidence is currently insufficient to determine the role of this variant in disease. Therefore, it has been classified as a Variant of Uncertain Significance. Experimental studies have shown that this variant affects ALDH5A1 protein function (PMID: 32402538). Advanced modeling of protein sequence and biophysical properties (such as structural, functional, and spatial information, amino acid conservation, physicochemical variation, residue mobility, and thermodynamic stability) performed at Invitae indicates that this missense variant is expected to disrupt ALDH5A1 protein function. This variant has been observed in individual(s) with clinical features of succinic semialdehyde dehydrogenase deficiency (PMID: 32402538). ClinVar contains an entry for this variant (Variation ID: 1013890). This sequence change replaces proline with serine at codon 442 of the ALDH5A1 protein (p.Pro442Ser). The proline residue is highly conserved and there is a moderate physicochemical difference between proline and serine.

Elsea Laboratory, Baylor College of Medicine
Classification: Pathogenic for Succinate-semialdehyde dehydrogenase deficiency. Last evaluated: 2021-03-08. Review status: criteria provided, single submitter. Criteria: Martin et al. (J Child Neurol. 2021). Collection method: curation. Allele origin: germline. Affected: yes.
Comment: enyzme activity of 8%;catalytic domain

Literature cited by the submitters: PubMed 32402538 (cited by Labcorp Genetics (formerly Invitae), Labcorp and Elsea Laboratory, Baylor College of Medicine).

NM_001080.3(ALDH5A1):c.1324C>T (p.Pro442Ser)

Gene: ALDH5A1 (aldehyde dehydrogenase 5 family member A1; plus strand). Cytogenetic location: 6p22.3.
Variant type: single nucleotide variant.
Coding change: c.1324C>T on transcript NM_001080.3 (MANE Select); coding-DNA position 1324, C replaced by T.
Protein change: p.Pro442Ser; replaces proline 442 with serine.
Molecular consequence: missense variant.
Genome position (GRCh38, 1-based): chr6:24,528,147, C>T. VCF-style: chr6-24528147-C-T. GRCh37 (hg19) VCF-style: chr6-24528375-C-T.
Other names: c.1180C>T, p.Pro394Ser (NM_001368954.1); c.1363C>T, p.Pro455Ser (NM_170740.1); short protein forms P394S, P442S, P455S.
Identifiers: ClinVar variation 1013890 (VCV001013890.11), dbSNP rs750638943, ClinGen allele CA136139451.